The following is an entry in ClinVar:

ClinVar aggregate classification (germline): Likely benign. Review status: criteria provided, multiple submitters, no conflicts (2 of 4 stars). 3 submissions from 3 submitters: Likely benign (3). Last evaluated 2025-12-30.

Allele frequency attached by ClinVar (database versions not stated): gnomAD 0.00001; gnomAD exomes 0.00001; ExAC 0.00002; TOPMed 0.00002.
gnomAD v4.1: 21 of 1,613,936 alleles (0.0013%); highest among the groups gnomAD compares: African/African-American, 0.0053%; no homozygotes.

Submissions (3):

Labcorp Genetics (formerly Invitae), Labcorp
Classification: Likely benign. Last evaluated: 2025-12-30. Review status: criteria provided, single submitter. Criteria: Invitae Variant Classification Sherloc (09022015). Collection method: clinical testing. Allele origin: germline.

CeGaT Center for Human Genetics Tuebingen
Classification: Likely benign. Last evaluated: 2025-01-01. Review status: criteria provided, single submitter. Criteria: CeGaT Center For Human Genetics Tuebingen Variant Classification Criteria Version 2. Collection method: clinical testing. Allele origin: germline. Affected: yes. Observed: 1 variant allele.
Comment: ERCC3: BP4, BP7

Blueprint Genetics
Classification: Likely benign. Last evaluated: 2024-08-30. Review status: criteria provided, single submitter. Criteria: ACMG Guidelines, 2015. Collection method: clinical testing. Allele origin: germline.

NM_000122.2(ERCC3):c.576C>T (p.Pro192=)

Gene: ERCC3 (ERCC excision repair 3, TFIIH core complex helicase subunit; minus strand). Cytogenetic location: 2q14.3.
Variant type: single nucleotide variant.
Coding change: c.576C>T on transcript NM_000122.2 (MANE Select); coding-DNA position 576, C replaced by T.
Protein change: p.Pro192=; no amino-acid change (proline 192 retained).
Molecular consequence: synonymous variant.
Genome position (GRCh38, 1-based): chr2:127,289,770, G>A on the plus strand (C>T on the coding strand, the complement: ERCC3 is on the minus strand). VCF-style: chr2-127289770-G-A. GRCh37 (hg19) VCF-style: chr2-128047346-G-A.
Other names: c.384C>T, p.Pro128= (NM_001303416.2, NM_001303418.2).
Identifiers: ClinVar variation 2176981 (VCV002176981.18), dbSNP rs746534404, ClinGen allele CA1858509.